The following is an entry in ClinVar:

ClinVar aggregate classification (germline): Uncertain significance (1 of 4 stars; one submission).

Submission:

GeneDx
Classification: Uncertain significance. Last evaluated: 2025-07-31. Review status: criteria provided, single submitter. Criteria: GeneDx Variant Classification Process June 2021. Collection method: clinical testing. Allele origin: germline. Affected: yes.
Comment: Not observed at significant frequency in large population cohorts (gnomAD); In silico analysis suggests that this missense variant does not alter protein structure/function; Has not been previously published as pathogenic or benign to our knowledge

NM_001197104.2(KMT2A):c.8696T>C (p.Val2899Ala)

Gene: KMT2A (lysine methyltransferase 2A; plus strand). Cytogenetic location: 11q23.3.
Variant type: single nucleotide variant.
Coding change: c.8696T>C on transcript NM_001197104.2 (MANE Select); coding-DNA position 8696, T replaced by C.
Protein change: p.Val2899Ala; replaces valine 2899 with alanine.
Molecular consequence: missense variant.
Genome position (GRCh38, 1-based): chr11:118,504,588, T>C. VCF-style: chr11-118504588-T-C. GRCh37 (hg19) VCF-style: chr11-118375303-T-C.
Other names: c.8786T>C, p.Val2929Ala (NM_001412597.1); c.8687T>C, p.Val2896Ala (NM_005933.4); short protein forms V2896A, V2899A, V2929A.
Identifiers: ClinVar variation 4690128 (VCV004690128.1).